The following is an entry in ClinVar:

ClinVar aggregate classification (germline): Uncertain significance (1 of 4 stars; one submission).

Conditions:
Developmental and epileptic encephalopathy, 36 (DEE36). Also called: Congenital disorder of glycosylation, type Is; ALG13-CDG; Epileptic encephalopathy, early infantile, 36. Identifiers: Orphanet 324422, MedGen C4317295, MONDO:0010472, OMIM 300884.

Submission:

Labcorp Genetics (formerly Invitae), Labcorp
Classification: Uncertain significance for Developmental and epileptic encephalopathy, 36. Last evaluated: 2025-03-19. Review status: criteria provided, single submitter. Criteria: Invitae Variant Classification Sherloc (09022015). Collection method: clinical testing. Allele origin: germline.
Comment: This variant, c.2784_2801del, results in the deletion of 6 amino acid(s) of the ALG13 protein (p.Pro940_Pro945del), but otherwise preserves the integrity of the reading frame. The frequency data for this variant in the population databases is considered unreliable, as metrics indicate poor data quality at this position in the gnomAD database. This variant has not been reported in the literature in individuals affected with ALG13-related conditions. In summary, the available evidence is currently insufficient to determine the role of this variant in disease. Therefore, it has been classified as a Variant of Uncertain Significance.

NM_001099922.3(ALG13):c.2784_2801del (p.Pro940_Pro945del)

Gene: ALG13 (ALG13 UDP-N-acetylglucosaminyltransferase subunit; plus strand). Cytogenetic location: Xq23.
Variant type: Deletion.
Coding change: c.2784_2801del on transcript NM_001099922.3 (MANE Select); coding-DNA positions 2784 to 2801, 18 bases deleted (ACCACCACCACCACCTCC).
Protein change: p.Pro940_Pro945del.
Molecular consequence: inframe deletion. On other transcripts: intron variant (5).
Genome position (GRCh38, 1-based): chrX:111,744,756-111,744,773, ACCACCACCACCACCTCC deleted; deleting any 18 consecutive bases within chrX:111,744,754-111,744,773 gives the same sequence; the c. name uses the placement nearest the transcript's 3' end. VCF-style (leftmost placement, unchanged base first): chrX-111744753-ACCACCACCACCACCACCT-A. GRCh37 (hg19) VCF-style: chrX-110987981-ACCACCACCACCACCACCT-A.
Other names: c.2550_2567del, p.Pro862_Pro867del (NM_001257231.2); c.2383+7877_2383+7894del (NM_001257237.2, NM_001257234.2, NM_001257230.2); c.2209+7877_2209+7894del (NM_001324293.1); c.2695+7877_2695+7894del (NM_001324292.2).
Identifiers: ClinVar variation 4753300 (VCV004753300.1).